The following is an entry in ClinVar:

ClinVar aggregate classification (germline): Uncertain significance. Review status: criteria provided, multiple submitters, no conflicts (2 of 4 stars). 2 submissions from 2 submitters: Uncertain significance (2). Last evaluated 2023-12-12.

Conditions:
Myoclonic epilepsy, juvenile, susceptibility to, 1. Also called: Myoclonic Epilepsy, Juvenile, 1; EJM1. Identifiers: MedGen C1850778, MONDO:0020752, OMIM 254770.
Absence seizure. Also called: Absence epilepsy. Identifiers: Orphanet 1941, MedGen C0014553.

Allele frequency attached by ClinVar (database versions not stated): gnomAD 0.00001 and 0.00002; TOPMed 0.00001; gnomAD exomes 0.00002.
gnomAD v4.1: 32 of 1,614,008 alleles (0.002%); highest among the groups gnomAD compares: Non-Finnish European, 0.0025%; no homozygotes.

Submissions (2):

Ambry Genetics
Classification: Uncertain significance. Last evaluated: 2023-12-12. Review status: criteria provided, single submitter. Criteria: Ambry Variant Classification Scheme 2023. Collection method: clinical testing. Allele origin: germline.

Labcorp Genetics (formerly Invitae), Labcorp
Classification: Uncertain significance for Myoclonic epilepsy, juvenile, susceptibility to, 1; Absence seizure. Last evaluated: 2020-02-17. Review status: criteria provided, single submitter. Criteria: Invitae Variant Classification Sherloc (09022015). Collection method: clinical testing. Allele origin: germline.
Comment: This sequence change replaces arginine with glutamine at codon 159 of the EFHC1 protein (p.Arg159Gln). The arginine residue is weakly conserved and there is a small physicochemical difference between arginine and glutamine. This variant is not present in population databases (ExAC no frequency). This variant has not been reported in the literature in individuals with EFHC1-related conditions. Algorithms developed to predict the effect of missense changes on protein structure and function output the following: SIFT: "Tolerated"; PolyPhen-2: "Benign"; Align-GVGD: "Class C0". The glutamine amino acid residue is found in multiple mammalian species, suggesting that this missense change does not adversely affect protein function. These predictions have not been confirmed by published functional studies and their clinical significance is uncertain. In summary, the available evidence is currently insufficient to determine the role of this variant in disease. Therefore, it has been classified as a Variant of Uncertain Significance.

NM_018100.4(EFHC1):c.476G>A (p.Arg159Gln)

Gene: EFHC1 (EF-hand domain containing 1; plus strand). Cytogenetic location: 6p12.2.
Variant type: single nucleotide variant.
Coding change: c.476G>A on transcript NM_018100.4 (MANE Select); coding-DNA position 476, G replaced by A.
Protein change: p.Arg159Gln; replaces arginine 159 with glutamine.
Molecular consequence: missense variant. On other transcripts: non-coding transcript variant (1).
Genome position (GRCh38, 1-based): chr6:52,438,494, G>A. VCF-style: chr6-52438494-G-A. GRCh37 (hg19) VCF-style: chr6-52303292-G-A.
Other names: c.419G>A, p.Arg140Gln (NM_001172420.2); short protein forms R140Q, R159Q.
Identifiers: ClinVar variation 957280 (VCV000957280.12), dbSNP rs1277516532, ClinGen allele CA364458312.
Genomic context (GRCh38, chr6:52,438,494, plus strand): 5'-AAAATTCTGGAATCCTTCAAGGCAAGTTAATAAAACGCCAGCGGCTAGCCAAGAATGACC[G>A]GGGTGACCATTACCATTGGAAAGACCTAAATCGAGGAATAAACATCACAATTTATGGCAA-3'
Protein context (NP_060570.2, residues 149-169): IKRQRLAKND[Arg159Gln]GDHYHWKDLN